The following is an entry in ClinVar:

NM_006922.4(SCN3A):c.2984C>T (p.Thr995Ile)

Gene: SCN3A (sodium voltage-gated channel alpha subunit 3; minus strand). Cytogenetic location: 2q24.3.
Variant type: single nucleotide variant.
Coding change: c.2984C>T on transcript NM_006922.4 (MANE Select); coding-DNA position 2984, C replaced by T.
Protein change: p.Thr995Ile; replaces threonine 995 with isoleucine.
Molecular consequence: missense variant.
Genome position (GRCh38, 1-based): chr2:165,128,040, G>A on the plus strand (C>T on the coding strand, the complement: SCN3A is on the minus strand). VCF-style: chr2-165128040-G-A. GRCh37 (hg19) VCF-style: chr2-165984550-G-A.
Other names: c.2837C>T, p.Thr946Ile (NM_001081676.2, NM_001081677.2); short protein forms T946I, T995I.
Identifiers: ClinVar variation 954863 (VCV000954863.7), dbSNP rs748337459, ClinGen allele CA1938871.

ClinVar aggregate classification (germline): Uncertain significance (1 of 4 stars; one submission).

Allele frequency attached by ClinVar (database versions not stated): gnomAD exomes below 0.00001; ExAC 0.00001.
gnomAD v4.1: 7 of 1,613,616 alleles (0.00043%); highest among the groups gnomAD compares: Non-Finnish European, 0.00051%; no homozygotes.

Submission:

Labcorp Genetics (formerly Invitae), Labcorp
Classification: Uncertain significance. Last evaluated: 2024-06-03. Review status: criteria provided, single submitter. Criteria: Invitae Variant Classification Sherloc (09022015). Collection method: clinical testing. Allele origin: germline.
Comment: This sequence change replaces threonine, which is neutral and polar, with isoleucine, which is neutral and non-polar, at codon 995 of the SCN3A protein (p.Thr995Ile). This variant is present in population databases (rs748337459, gnomAD 0.0009%). This variant has not been reported in the literature in individuals affected with SCN3A-related conditions. ClinVar contains an entry for this variant (Variation ID: 954863). Advanced modeling of protein sequence and biophysical properties (such as structural, functional, and spatial information, amino acid conservation, physicochemical variation, residue mobility, and thermodynamic stability) performed at Invitae indicates that this missense variant is not expected to disrupt SCN3A protein function with a negative predictive value of 80%. In summary, the available evidence is currently insufficient to determine the role of this variant in disease. Therefore, it has been classified as a Variant of Uncertain Significance.